The following is an entry in ClinVar:

ClinVar aggregate classification (germline): Uncertain significance. Review status: criteria provided, multiple submitters, no conflicts (2 of 4 stars). 2 submissions from 2 submitters: Uncertain significance (2). Last evaluated 2024-07-31.

Conditions:
Familial adenomatous polyposis 1 (FAP1). Also called: POLYPOSIS, ADENOMATOUS INTESTINAL; FAMILIAL ADENOMATOUS POLYPOSIS 1, ATTENUATED. Identifiers: MedGen C2713442, MONDO:0021056, OMIM 175100. Disease mechanism: loss of function.
Hereditary cancer-predisposing syndrome. Also called: Neoplastic Syndromes, Hereditary; Tumor predisposition; Hereditary neoplastic syndrome; Hereditary Cancer Syndrome. Identifiers: Orphanet 140162, MedGen C0027672, MeSH D009386, MONDO:0015356.

Submissions (2):

Labcorp Genetics (formerly Invitae), Labcorp
Classification: Uncertain significance for Familial adenomatous polyposis 1. Last evaluated: 2024-07-31. Review status: criteria provided, single submitter. Criteria: Invitae Variant Classification Sherloc (09022015). Collection method: clinical testing. Allele origin: germline.
Comment: This sequence change replaces alanine, which is neutral and non-polar, with serine, which is neutral and polar, at codon 2108 of the APC protein (p.Ala2108Ser). This variant is not present in population databases (gnomAD no frequency). This variant has not been reported in the literature in individuals affected with APC-related conditions. ClinVar contains an entry for this variant (Variation ID: 2452749). Advanced modeling of protein sequence and biophysical properties (such as structural, functional, and spatial information, amino acid conservation, physicochemical variation, residue mobility, and thermodynamic stability) performed at Invitae indicates that this missense variant is not expected to disrupt APC protein function with a negative predictive value of 95%. In summary, the available evidence is currently insufficient to determine the role of this variant in disease. Therefore, it has been classified as a Variant of Uncertain Significance.

Ambry Genetics
Classification: Uncertain significance for Hereditary cancer-predisposing syndrome. Last evaluated: 2023-02-17. Review status: criteria provided, single submitter. Criteria: Ambry Variant Classification Scheme 2023. Collection method: clinical testing. Allele origin: germline.
Comment: The p.A2108S variant (also known as c.6322G>T), located in coding exon 15 of the APC gene, results from a G to T substitution at nucleotide position 6322. The alanine at codon 2108 is replaced by serine, an amino acid with similar properties. This amino acid position is conserved. In addition, in silico predictors for this gene do not accurately predict pathogenicity. Since supporting evidence is limited at this time, the clinical significance of this alteration remains unclear.

NM_000038.6(APC):c.6322G>T (p.Ala2108Ser)

Gene: APC (APC regulator of Wnt signaling pathway; plus strand). Cytogenetic location: 5q22.2.
Variant type: single nucleotide variant.
Coding change: c.6322G>T on transcript NM_000038.6 (MANE Select); coding-DNA position 6322, G replaced by T.
Protein change: p.Ala2108Ser; replaces alanine 2108 with serine.
Molecular consequence: missense variant. On other transcripts: non-coding transcript variant (2).
Genome position (GRCh38, 1-based): chr5:112,841,916, G>T. VCF-style: chr5-112841916-G-T. GRCh37 (hg19) VCF-style: chr5-112177613-G-T.
Other names: c.6322G>T, p.Ala2108Ser (NM_001127510.3, NM_001354895.2, NM_001407450.1); c.6268G>T, p.Ala2090Ser (NM_001127511.3); c.6376G>T, p.Ala2126Ser (NM_001354896.2, NM_001407447.1, NM_001407448.1 and 1 more transcripts); c.6352G>T, p.Ala2118Ser (NM_001354897.2); c.6247G>T, p.Ala2083Ser (NM_001354898.2); c.6238G>T, p.Ala2080Ser (NM_001354899.2); c.6199G>T, p.Ala2067Ser (NM_001354900.2); c.6145G>T, p.Ala2049Ser (NM_001354901.2, NM_001407453.1); and 11 more; short protein forms A1825S, A2025S, A2098S, A2118S, A2126S, A1948S, A2017S, A2080S.
Identifiers: ClinVar variation 2452749 (VCV002452749.4), dbSNP rs876660406, ClinGen allele CA16035179.
Genomic context (GRCh38, chr5:112,841,916, plus strand): 5'-TCAGAACATGGTCTATCCCCTGATTCAGAAAATTTTGATTGGAAAGCTATTCAGGAAGGT[G>T]CAAATTCCATAGTAAGTAGTTTACATCAAGCTGCTGCTGCTGCATGTTTATCTAGACAAG-3'
Protein context (NP_000029.2, residues 2098-2118): NFDWKAIQEG[Ala2108Ser]NSIVSSLHQA